The following is an entry in ClinVar:

ClinVar aggregate classification (germline): Pathogenic/Likely pathogenic. Review status: criteria provided, multiple submitters, no conflicts (2 of 4 stars). 3 submissions from 3 submitters: Pathogenic (1); Likely pathogenic (2). Last evaluated 2025-10-26.

Conditions:
PDZD7-related disorder. Also called: PDZD7-related condition; PDZD7-related disorders.

gnomAD v4.1: 15 of 1,546,472 alleles (0.00097%); highest among the groups gnomAD compares: Non-Finnish European, 0.0013%; no homozygotes.

Submissions (3):

Labcorp Genetics (formerly Invitae), Labcorp
Classification: Pathogenic. Last evaluated: 2025-10-26. Review status: criteria provided, single submitter. Criteria: Invitae Variant Classification Sherloc (09022015). Collection method: clinical testing. Allele origin: germline.
Comment: This sequence change creates a premature translational stop signal (p.Tyr337*) in the PDZD7 gene. It is expected to result in an absent or disrupted protein product. Loss-of-function variants in PDZD7 are known to be pathogenic (PMID: 20440071). This variant is not present in population databases (gnomAD no frequency). This variant has not been reported in the literature in individuals affected with PDZD7-related conditions. ClinVar contains an entry for this variant (Variation ID: 2066703). For these reasons, this variant has been classified as Pathogenic.

Blueprint Genetics
Classification: Likely pathogenic for PDZD7-related disorders. Last evaluated: 2023-12-29. Review status: criteria provided, single submitter. Criteria: ACMG Guidelines, 2015. Collection method: clinical testing. Allele origin: germline. Affected: yes. Observed: 5 variant alleles.

Women's Health and Genetics/Laboratory Corporation of America, LabCorp
Classification: Likely pathogenic for PDZD7-Related Disorders. Last evaluated: 2023-02-17. Review status: criteria provided, single submitter. Criteria: LabCorp Variant Classification Summary - May 2015. Collection method: clinical testing. Allele origin: germline.
Comment: Variant summary: PDZD7 c.1011C>G (p.Tyr337X) results in a premature termination codon, predicted to cause a truncation of the encoded protein or absence of the protein due to nonsense mediated decay, which are commonly known mechanisms for disease. Truncations downstream of this position have been classified as pathogenic in ClinVar and are associated with non-syndromic hearing loss and Usher syndrome in HGMD. The variant was absent in 147572 control chromosomes. To our knowledge, no occurrence of c.1011C>G in individuals affected with PDZD7-Related Disorders and no experimental evidence demonstrating its impact on protein function have been reported. One clinical diagnostic laboratory has submitted clinical-significance assessments for this variant to ClinVar after 2014 and classified the variant as pathogenic. Based on the evidence outlined above, the variant was classified as likely pathogenic.

Literature cited by the submitters: PubMed 20440071 (cited by Labcorp Genetics (formerly Invitae), Labcorp).

NM_001195263.2(PDZD7):c.1011C>G (p.Tyr337Ter)

Gene: PDZD7 (PDZ domain containing 7; minus strand). Cytogenetic location: 10q24.31.
Variant type: single nucleotide variant.
Coding change: c.1011C>G on transcript NM_001195263.2 (MANE Select); coding-DNA position 1011, C replaced by G.
Protein change: p.Tyr337Ter; replaces tyrosine 337 with a stop codon.
Molecular consequence: nonsense.
Genome position (GRCh38, 1-based): chr10:101,019,135, G>C on the plus strand (C>G on the coding strand, the complement: PDZD7 is on the minus strand). VCF-style: chr10-101019135-G-C. GRCh37 (hg19) VCF-style: chr10-102778892-G-C.
Other names: c.1011C>G, p.Tyr337Ter (NM_001351044.2, NM_024895.5); c.1011C>G (NM_001195263.1); short protein forms Y337*.
Identifiers: ClinVar variation 2066703 (VCV002066703.6), dbSNP rs34705415, ClinGen allele CA378228922.